The following is an entry in ClinVar:

ClinVar aggregate classification (germline): Uncertain significance (1 of 4 stars; one submission).

Submission:

GeneDx
Classification: Uncertain significance. Last evaluated: 2024-09-10. Review status: criteria provided, single submitter. Criteria: GeneDx Variant Classification Process June 2021. Collection method: clinical testing. Allele origin: germline. Affected: yes.
Comment: Not observed at significant frequency in large population cohorts (gnomAD); In silico analysis indicates that this missense variant does not alter protein structure/function; Has not been previously published as pathogenic or benign to our knowledge

NM_001145026.2(PTPRQ):c.1367A>G (p.Asn456Ser)

Gene: PTPRQ (protein tyrosine phosphatase receptor type Q; plus strand). Cytogenetic location: 12q21.31.
Variant type: single nucleotide variant.
Coding change: c.1367A>G on transcript NM_001145026.2 (MANE Select); coding-DNA position 1367, A replaced by G.
Protein change: p.Asn456Ser; replaces asparagine 456 with serine.
Molecular consequence: missense variant.
Genome position (GRCh38, 1-based): chr12:80,493,282, A>G. VCF-style: chr12-80493282-A-G. GRCh37 (hg19) VCF-style: chr12-80887061-A-G.
Other names: short protein forms N456S.
Identifiers: ClinVar variation 3767461 (VCV003767461.1).